The following is an entry in ClinVar:

NM_006267.5(RANBP2):c.5653A>G (p.Thr1885Ala)

Gene: RANBP2 (RAN binding protein 2; plus strand). Cytogenetic location: 2q13.
Variant type: single nucleotide variant.
Coding change: c.5653A>G on transcript NM_006267.5 (MANE Select); coding-DNA position 5653, A replaced by G.
Protein change: p.Thr1885Ala; replaces threonine 1885 with alanine.
Molecular consequence: missense variant.
Genome position (GRCh38, 1-based): chr2:108,766,192, A>G. VCF-style: chr2-108766192-A-G. GRCh37 (hg19) VCF-style: chr2-109382648-A-G.
Other names: short protein forms T1885A.
Identifiers: ClinVar variation 469473 (VCV000469473.9), dbSNP rs1553496835, ClinGen allele CA348073545.

ClinVar aggregate classification (germline): Uncertain significance (1 of 4 stars; one submission).

Conditions:
Familial acute necrotizing encephalopathy (IIAE3). Also called: Susceptibility to Acute Necrotizing Encephalopathy 1; ENCEPHALOPATHY, ACUTE, INFECTION-INDUCED, SUSCEPTIBILITY TO, 3. Identifiers: Orphanet 88619, MedGen C2675556, MONDO:0011953, OMIM 608033.

Submission:

Labcorp Genetics (formerly Invitae), Labcorp
Classification: Uncertain significance for Familial acute necrotizing encephalopathy. Last evaluated: 2017-04-06. Review status: criteria provided, single submitter. Criteria: Invitae Variant Classification Sherloc (09022015). Collection method: clinical testing. Allele origin: germline.
Comment: In summary, this variant is a novel missense change that is not predicted to affect protein function. There is no indication that it causes disease, but the available evidence is currently insufficient to prove that conclusively. Therefore, it has been classified as a Variant of Uncertain Significance. Algorithms developed to predict the effect of missense changes on protein structure and function output the following: SIFT: "Tolerated"; PolyPhen-2: "Benign"; Align-GVGD: "Class C0". The alanine amino acid residue is found in multiple mammalian species, suggesting that this missense change does not adversely affect protein function. These predictions have not been confirmed by published functional studies. This variant is not present in population databases (ExAC no frequency) and has not been reported in the literature in individuals with a RANBP2-related disease. This sequence change replaces threonine with alanine at codon 1885 of the RANBP2 protein (p.Thr1885Ala). The threonine residue is moderately conserved and there is a small physicochemical difference between threonine and alanine.